The following is an entry in ClinVar:

NM_000264.5(PTCH1):c.1516C>G (p.Leu506Val)

Gene: PTCH1 (patched 1; minus strand). Cytogenetic location: 9q22.32.
Variant type: single nucleotide variant.
Coding change: c.1516C>G on transcript NM_000264.5 (MANE Select); coding-DNA position 1516, C replaced by G.
Protein change: p.Leu506Val; replaces leucine 506 with valine.
Molecular consequence: missense variant. On other transcripts: non-coding transcript variant (1).
Genome position (GRCh38, 1-based): chr9:95,476,845, G>C on the plus strand (C>G on the coding strand, the complement: PTCH1 is on the minus strand). VCF-style: chr9-95476845-G-C. GRCh37 (hg19) VCF-style: chr9-98239127-G-C.
Other names: c.1318C>G, p.Leu440Val (NM_001083602.3); c.1513C>G, p.Leu505Val (NM_001083603.3); c.1063C>G, p.Leu355Val (NM_001083604.3, NM_001083605.3, NM_001083606.3 and 1 more transcripts); c.1360C>G, p.Leu454Val (NM_001354918.2); short protein forms L454V, L440V, L355V, L505V, L506V.
Identifiers: ClinVar variation 4146841 (VCV004146841.1).

ClinVar aggregate classification (germline): Uncertain significance (1 of 4 stars; one submission).

Conditions:
Hereditary cancer-predisposing syndrome. Also called: Hereditary neoplastic syndrome; Neoplastic Syndromes, Hereditary; Tumor predisposition; Hereditary Cancer Syndrome. Identifiers: Orphanet 140162, MedGen C0027672, MeSH D009386, MONDO:0015356.

Submission:

Ambry Genetics
Classification: Uncertain significance for Hereditary cancer-predisposing syndrome. Last evaluated: 2025-07-07. Review status: criteria provided, single submitter. Criteria: Ambry Variant Classification Scheme 2023. Collection method: clinical testing. Allele origin: germline.
Comment: The p.L506V variant (also known as c.1516C>G), located in coding exon 11 of the PTCH1 gene, results from a C to G substitution at nucleotide position 1516. The leucine at codon 506 is replaced by valine, an amino acid with highly similar properties. This amino acid position is highly conserved in available vertebrate species. In addition, this alteration is predicted to be deleterious by in silico analysis. Based on the available evidence, the clinical significance of this variant remains unclear.